The following is an entry in ClinVar:

ClinVar aggregate classification (germline): Uncertain significance (1 of 4 stars; one submission).

Allele frequency attached by ClinVar (database versions not stated): TOPMed below 0.00001.
gnomAD v4.1: 7 of 1,613,940 alleles (0.00043%); highest among the groups gnomAD compares: Middle Eastern, 0.066%; no homozygotes.

Submission:

Ambry Genetics
Classification: Uncertain significance. Last evaluated: 2025-06-23. Review status: criteria provided, single submitter. Criteria: Ambry Variant Classification Scheme 2023. Collection method: clinical testing. Allele origin: germline.
Comment: The c.4449G>C variant (also known as p.S1483S), located in coding exon 40 of the KIF1B gene, results from a G to C substitution at nucleotide position 4449. This nucleotide substitution does not change the serine at codon 1483. This nucleotide position is not well conserved in available vertebrate species. In silico splice site analysis for this alteration is inconclusive. The evidence for this gene-disease relationship is limited; therefore, the clinical significance of this alteration is unclear.

NM_001365951.3(KIF1B):c.4587G>C (p.Ser1529=)

Gene: KIF1B (kinesin family member 1B; plus strand). Cytogenetic location: 1p36.22.
Variant type: single nucleotide variant.
Coding change: c.4587G>C on transcript NM_001365951.3 (MANE Select); coding-DNA position 4587, G replaced by C.
Protein change: p.Ser1529=; no amino-acid change (serine 1529 retained).
Molecular consequence: synonymous variant.
Genome position (GRCh38, 1-based): chr1:10,365,483, G>C. VCF-style: chr1-10365483-G-C. GRCh37 (hg19) VCF-style: chr1-10425541-G-C.
Other names: c.4587G>C, p.Ser1529= (NM_001365952.1); c.4449G>C, p.Ser1483= (NM_015074.3).
Identifiers: ClinVar variation 1740666 (VCV001740666.3), dbSNP rs763558438, ClinGen allele CA17850386.